The following is an entry in ClinVar:

ClinVar aggregate classification (germline): Likely pathogenic (1 of 4 stars; one submission).

Conditions:
Very long chain acyl-CoA dehydrogenase deficiency (ACADVLD). Also called: Very Long-Chain Acyl-Coenzyme A Dehydrogenase Deficiency; VLCAD Deficiency. Identifiers: Orphanet 26793, MedGen C3887523, MONDO:0008723, OMIM 201475.

Submission:

Myriad Genetics, Inc.
Classification: Likely pathogenic for Very long chain acyl-CoA dehydrogenase deficiency. Last evaluated: 2022-04-01. Review status: criteria provided, single submitter. Criteria: Myriad Women's Health Autosomal Recessive and X-Linked Classification Criteria (2021). Collection method: clinical testing. Allele origin: unknown.
Comment: NM_000018.3(ACADVL):c.850_851insC(V284Afs*14) is expected to be pathogenic in the context of very-long-chain acyl-CoA dehydrogenase deficiency. This variant is predicted to lead to an abnormal or absent protein product due to the creation of a premature termination codon in ACADVL, a gene where loss-of-function variants are known to be pathogenic. Please note: this variant was assessed in the context of healthy population screening.

NM_000018.4(ACADVL):c.850_851insC (p.Val284fs)

Gene: ACADVL (acyl-CoA dehydrogenase very long chain; plus strand). Cytogenetic location: 17p13.1.
Variant type: Insertion.
Coding change: c.850_851insC on transcript NM_000018.4 (MANE Select); coding-DNA positions 850 to 851, C inserted.
Protein change: p.Val284fs; shifts the reading frame from valine 284.
Molecular consequence: frameshift variant.
Genome position: GRCh38 VCF-style: chr17-7222274-G-GC. GRCh37 (hg19) VCF-style: chr17-7125593-G-GC.
Other names: c.784_785insC, p.Val262fs (NM_001033859.3); c.919_920insC, p.Val307fs (NM_001270447.2); c.622_623insC, p.Val208fs (NM_001270448.2); short protein forms V208fs, V262fs, V284fs, V307fs.
Identifiers: ClinVar variation 1725805 (VCV001725805.2), dbSNP rs2508305585, ClinGen allele CA2580094760.